The following is an entry in ClinVar:

NM_001035.3(RYR2):c.7183T>A (p.Leu2395Met)

Gene: RYR2 (ryanodine receptor 2; plus strand). Cytogenetic location: 1q43.
Variant type: single nucleotide variant.
Coding change: c.7183T>A on transcript NM_001035.3 (MANE Select); coding-DNA position 7183, T replaced by A.
Protein change: p.Leu2395Met; replaces leucine 2395 with methionine.
Molecular consequence: missense variant.
Genome position (GRCh38, 1-based): chr1:237,640,964, T>A. VCF-style: chr1-237640964-T-A. GRCh37 (hg19) VCF-style: chr1-237804264-T-A.
Other names: short protein forms L2395M.
Identifiers: ClinVar variation 3633807 (VCV003633807.2).

ClinVar aggregate classification (germline): Uncertain significance (1 of 4 stars; one submission).

Conditions:
Catecholaminergic polymorphic ventricular tachycardia 1. Also called: VENTRICULAR TACHYCARDIA, CATECHOLAMINERGIC POLYMORPHIC, 1, WITH OR WITHOUT ATRIAL DYSFUNCTION AND/OR DILATED CARDIOMYOPATHY; RYR2-Related Catecholaminergic Polymorphic Ventricular Tachycardia; VENTRICULAR TACHYCARDIA, STRESS-INDUCED POLYMORPHIC 1. Identifiers: Orphanet 3286, MedGen C1631597, MONDO:0011484, OMIM 604772.

Submission:

Labcorp Genetics (formerly Invitae), Labcorp
Classification: Uncertain significance for Catecholaminergic polymorphic ventricular tachycardia 1. Last evaluated: 2024-05-04. Review status: criteria provided, single submitter. Criteria: Invitae Variant Classification Sherloc (09022015). Collection method: clinical testing. Allele origin: germline.
Comment: This sequence change replaces leucine, which is neutral and non-polar, with methionine, which is neutral and non-polar, at codon 2395 of the RYR2 protein (p.Leu2395Met). This variant is present in population databases (rs374678615, gnomAD 0.007%). This variant has not been reported in the literature in individuals affected with RYR2-related conditions. Advanced modeling of protein sequence and biophysical properties (such as structural, functional, and spatial information, amino acid conservation, physicochemical variation, residue mobility, and thermodynamic stability) performed at Invitae indicates that this missense variant is expected to disrupt RYR2 protein function with a positive predictive value of 95%. In summary, the available evidence is currently insufficient to determine the role of this variant in disease. Therefore, it has been classified as a Variant of Uncertain Significance.